The following is an entry in ClinVar:

NM_005751.5(AKAP9):c.133A>G (p.Ser45Gly)

Gene: AKAP9 (A-kinase anchoring protein 9; plus strand). Cytogenetic location: 7q21.2.
Variant type: single nucleotide variant.
Coding change: c.133A>G on transcript NM_005751.5 (MANE Select); coding-DNA position 133, A replaced by G.
Protein change: p.Ser45Gly; replaces serine 45 with glycine.
Molecular consequence: missense variant.
Genome position (GRCh38, 1-based): chr7:91,973,795, A>G. VCF-style: chr7-91973795-A-G. GRCh37 (hg19) VCF-style: chr7-91603109-A-G.
Other names: c.133A>G, p.Ser45Gly (NM_147185.3); short protein forms S45G.
Identifiers: ClinVar variation 3714786 (VCV003714786.2).

ClinVar aggregate classification (germline): Uncertain significance (1 of 4 stars; one submission).

Conditions:
Long QT syndrome (LQTS). Identifiers: MedGen C0023976, MeSH D008133, MONDO:0002442. Disease mechanism: loss of function. Inheritance: Various modes of inheritance.

gnomAD v4.1: 1 of 1,614,168 alleles (0.000062%); highest among the groups gnomAD compares: Non-Finnish European, 0.000085%; no homozygotes.

Submission:

Labcorp Genetics (formerly Invitae), Labcorp
Classification: Uncertain significance for Long QT syndrome. Last evaluated: 2024-06-17. Review status: criteria provided, single submitter. Criteria: Invitae Variant Classification Sherloc (09022015). Collection method: clinical testing. Allele origin: germline.
Comment: This sequence change replaces serine, which is neutral and polar, with glycine, which is neutral and non-polar, at codon 45 of the AKAP9 protein (p.Ser45Gly). This variant is not present in population databases (gnomAD no frequency). This variant has not been reported in the literature in individuals affected with AKAP9-related conditions. Algorithms developed to predict the effect of missense changes on protein structure and function output the following: SIFT: "Not Available"; PolyPhen-2: "Benign"; Align-GVGD: "Not Available". The glycine amino acid residue is found in multiple mammalian species, which suggests that this missense change does not adversely affect protein function. In summary, the available evidence is currently insufficient to determine the role of this variant in disease. Therefore, it has been classified as a Variant of Uncertain Significance.